The following is an entry in ClinVar:

ClinVar aggregate classification (germline): Uncertain significance. Review status: criteria provided, multiple submitters, no conflicts (2 of 4 stars). 3 submissions from 3 submitters: Uncertain significance (3). Last evaluated 2026-02-27.

Conditions:
Inborn genetic diseases. Identifiers: MedGen C0950123, MeSH D030342.
Malignant hyperthermia, susceptibility to, 5 (MHS5). Also called: CACNA1S-Related Malignant Hyperthermia Susceptibility. Identifiers: Orphanet 423, MedGen C1866077, MONDO:0011163, OMIM 601887.
Hypokalemic periodic paralysis, type 1. Also called: HypoPP; Hypokalemic Periodic Paralysis Type 1 (AD). Identifiers: Orphanet 681, MedGen C3714580, MONDO:0042979, OMIM 170400.

Submissions (3):

Ambry Genetics
Classification: Uncertain significance for Inborn genetic diseases. Last evaluated: 2026-02-27. Review status: criteria provided, single submitter. Criteria: Ambry Variant Classification Scheme 2023. Collection method: clinical testing. Allele origin: germline.

Color Diagnostics, LLC DBA Color Health
Classification: Uncertain significance for Malignant hyperthermia, susceptibility to, 5. Last evaluated: 2025-09-01. Review status: criteria provided, single submitter. Criteria: ACMG Guidelines, 2015. Collection method: clinical testing. Allele origin: germline.
Comment: This missense variant replaces leucine with methionine at codon 175 of the CACNA1S protein. Computational prediction suggests that this variant may have deleterious impact on protein structure and function. To our knowledge, functional studies have not been reported for this variant. This variant has not been reported in individuals affected with CACNA1S-related disorders in the literature. This variant has not been identified in the general population by the Genome Aggregation Database (gnomAD). The available evidence is insufficient to determine the role of this variant in disease conclusively. Therefore, this variant is classified as a Variant of Uncertain Significance.

Labcorp Genetics (formerly Invitae), Labcorp
Classification: Uncertain significance for Hypokalemic periodic paralysis, type 1; Malignant hyperthermia, susceptibility to, 5. Last evaluated: 2024-02-11. Review status: criteria provided, single submitter. Criteria: Invitae Variant Classification Sherloc (09022015). Collection method: clinical testing. Allele origin: germline.
Comment: This sequence change replaces leucine, which is neutral and non-polar, with methionine, which is neutral and non-polar, at codon 175 of the CACNA1S protein (p.Leu175Met). This variant is not present in population databases (gnomAD no frequency). This variant has not been reported in the literature in individuals affected with CACNA1S-related conditions. Advanced modeling of protein sequence and biophysical properties (such as structural, functional, and spatial information, amino acid conservation, physicochemical variation, residue mobility, and thermodynamic stability) performed at Invitae indicates that this missense variant is expected to disrupt CACNA1S protein function with a positive predictive value of 80%. In summary, the available evidence is currently insufficient to determine the role of this variant in disease. Therefore, it has been classified as a Variant of Uncertain Significance.

NM_000069.3(CACNA1S):c.523C>A (p.Leu175Met)

Gene: CACNA1S (calcium voltage-gated channel subunit alpha1 S; minus strand). Cytogenetic location: 1q32.1.
Variant type: single nucleotide variant.
Coding change: c.523C>A on transcript NM_000069.3 (MANE Select); coding-DNA position 523, C replaced by A.
Protein change: p.Leu175Met; replaces leucine 175 with methionine.
Molecular consequence: missense variant.
Genome position (GRCh38, 1-based): chr1:201,091,990, G>T on the plus strand (C>A on the coding strand, the complement: CACNA1S is on the minus strand). VCF-style: chr1-201091990-G-T. GRCh37 (hg19) VCF-style: chr1-201061118-G-T.
Other names: c.523C>A (NM_000069.2); short protein forms L175M.
Identifiers: ClinVar variation 2929727 (VCV002929727.4), dbSNP rs1662250974, ClinGen allele CA344141541.